The following is an entry in ClinVar:

ClinVar aggregate classification (germline): Uncertain significance (1 of 4 stars; one submission).

Conditions:
Cystic fibrosis (CF). Also called: MUCOVISCIDOSIS. Identifiers: Orphanet 586, MedGen C0010674, MONDO:0009061, OMIM 219700. Disease mechanism: loss of function.

Submission:

Ambry Genetics
Classification: Uncertain significance for Cystic fibrosis. Last evaluated: 2022-07-29. Review status: criteria provided, single submitter. Criteria: Ambry Variant Classification Scheme 2023. Collection method: clinical testing. Allele origin: germline.
Comment: The p.L602F variant (also known as c.1806G>T), located in coding exon 14 of the CFTR gene, results from a G to T substitution at nucleotide position 1806. The leucine at codon 602 is replaced by phenylalanine, an amino acid with highly similar properties. This amino acid position is conserved. In addition, the in silico prediction for this alteration is inconclusive. Since supporting evidence is limited at this time, the clinical significance of this alteration remains unclear.

NM_000492.4(CFTR):c.1806G>T (p.Leu602Phe)

Gene: CFTR (CF transmembrane conductance regulator; plus strand). Cytogenetic location: 7q31.2.
Variant type: single nucleotide variant.
Coding change: c.1806G>T on transcript NM_000492.4 (MANE Select); coding-DNA position 1806, G replaced by T.
Protein change: p.Leu602Phe; replaces leucine 602 with phenylalanine.
Molecular consequence: missense variant.
Genome position (GRCh38, 1-based): chr7:117,591,973, G>T. VCF-style: chr7-117591973-G-T. GRCh37 (hg19) VCF-style: chr7-117232027-G-T.
Other names: short protein forms L602F.
Identifiers: ClinVar variation 1780483 (VCV001780483.2), dbSNP rs2485109114, ClinGen allele CA368978005.